The following is an entry in ClinVar:

ClinVar aggregate classification (germline): Uncertain significance (1 of 4 stars; one submission).

Submission:

Labcorp Genetics (formerly Invitae), Labcorp
Classification: Uncertain significance. Last evaluated: 2024-08-20. Review status: criteria provided, single submitter. Criteria: Invitae Variant Classification Sherloc (09022015). Collection method: clinical testing. Allele origin: germline.
Comment: This sequence change replaces valine, which is neutral and non-polar, with leucine, which is neutral and non-polar, at codon 244 of the KLF1 protein (p.Val244Leu). This variant is not present in population databases (gnomAD no frequency). This variant has not been reported in the literature in individuals affected with KLF1-related conditions. Invitae Evidence Modeling of protein sequence and biophysical properties (such as structural, functional, and spatial information, amino acid conservation, physicochemical variation, residue mobility, and thermodynamic stability) indicates that this missense variant is not expected to disrupt KLF1 protein function with a negative predictive value of 80%. In summary, the available evidence is currently insufficient to determine the role of this variant in disease. Therefore, it has been classified as a Variant of Uncertain Significance.

NM_006563.5(KLF1):c.730G>T (p.Val244Leu)

Genes: KLF1 (KLF transcription factor 1; minus strand), LOC117125591 (CRISPRi-FlowFISH-validated PRDX2 and RAD23A regulatory element; plus strand). Cytogenetic location: 19p13.13.
Variant type: single nucleotide variant.
Coding change: c.730G>T on transcript NM_006563.5 (MANE Select); coding-DNA position 730, G replaced by T.
Protein change: p.Val244Leu; replaces valine 244 with leucine.
Molecular consequence: missense variant.
Genome position (GRCh38, 1-based): chr19:12,885,500, C>A on the plus strand (G>T on the coding strand, the complement: KLF1 is on the minus strand). VCF-style: chr19-12885500-C-A. GRCh37 (hg19) VCF-style: chr19-12996314-C-A.
Other names: short protein forms V244L.
Identifiers: ClinVar variation 3663058 (VCV003663058.2).